The following is an entry in ClinVar:

ClinVar aggregate classification (germline): Uncertain significance (1 of 4 stars; one submission).

Conditions:
Inborn genetic diseases. Identifiers: MedGen C0950123, MeSH D030342.

Submission:

Ambry Genetics
Classification: Uncertain significance for Inborn genetic diseases. Last evaluated: 2026-08-08. Review status: criteria provided, single submitter. Criteria: Ambry Variant Classification Scheme 2023. Collection method: clinical testing. Allele origin: germline.
Comment: The p.G409E variant (also known as c.1226G>A), located in coding exon 5 of the SH2B3 gene, results from a G to A substitution at nucleotide position 1226. The glycine at codon 409 is replaced by glutamic acid, an amino acid with similar properties. This amino acid position is conserved. In addition, this alteration is predicted to be deleterious by in silico analysis. Based on the available evidence, the clinical significance of this variant remains unclear.

NM_005475.3(SH2B3):c.1226G>A (p.Gly409Glu)

Gene: SH2B3 (SH2B adaptor protein 3; plus strand). Cytogenetic location: 12q24.12.
Variant type: single nucleotide variant.
Coding change: c.1226G>A on transcript NM_005475.3 (MANE Select); coding-DNA position 1226, G replaced by A.
Protein change: p.Gly409Glu; replaces glycine 409 with glutamic acid.
Molecular consequence: missense variant.
Genome position (GRCh38, 1-based): chr12:111,447,534, G>A. VCF-style: chr12-111447534-G-A. GRCh37 (hg19) VCF-style: chr12-111885338-G-A.
Other names: c.620G>A, p.Gly207Glu (NM_001291424.1); short protein forms G207E, G409E.
Identifiers: ClinVar variation 5029495 (VCV005029495.1).